The following is an entry in ClinVar:

ClinVar aggregate classification (germline): Pathogenic (1 of 4 stars; one submission).

Conditions:
Early-infantile DEE. Also called: Early infantile epileptic encephalopathy; Ohtahara syndrome; Early infantile epileptic encephalopathy with suppression bursts. Identifiers: Orphanet 1934, MedGen C0393706, MONDO:0800491.

Submission:

Labcorp Genetics (formerly Invitae), Labcorp
Classification: Pathogenic for Early-infantile DEE. Last evaluated: 2022-06-24. Review status: criteria provided, single submitter. Criteria: Invitae Variant Classification Sherloc (09022015). Collection method: clinical testing. Allele origin: germline.
Comment: This sequence change creates a premature translational stop signal (p.Val111Cysfs*22) in the KCNQ2 gene. It is expected to result in an absent or disrupted protein product. Loss-of-function variants in KCNQ2 are known to be pathogenic (PMID: 14534157, 23692823, 27779742). This variant is not present in population databases (gnomAD no frequency). For these reasons, this variant has been classified as Pathogenic. This variant has not been reported in the literature in individuals affected with KCNQ2-related conditions.

Literature cited by the submitters: PubMed 14534157; PubMed 23692823; PubMed 27779742.

NM_172107.4(KCNQ2):c.330del (p.Val111fs)

Gene: KCNQ2 (potassium voltage-gated channel subfamily Q member 2; minus strand). Cytogenetic location: 20q13.33.
Variant type: Deletion.
Coding change: c.330del on transcript NM_172107.4 (MANE Select); coding-DNA position 330, one base deleted (T; older notation c.330delT).
Protein change: p.Val111fs; shifts the reading frame from valine 111.
Molecular consequence: frameshift variant.
Genome position (GRCh38, 1-based): chr20:63,446,804, A deleted on the plus strand (T on the coding strand, the reverse complement: KCNQ2 is on the minus strand). VCF-style (leftmost placement, unchanged base first): chr20-63446803-CA-C. GRCh37 (hg19) VCF-style: chr20-62078156-CA-C.
Other names: c.330del, p.Val111fs (NM_001382235.1, NM_004518.6, NM_172106.3 and 2 more transcripts); short protein forms V111fs.
Identifiers: ClinVar variation 2010170 (VCV002010170.4), dbSNP rs2516534189, ClinGen allele CA2580098424.